The following is an entry in ClinVar:

NM_001105206.3(LAMA4):c.1891G>C (p.Val631Leu)

Gene: LAMA4 (laminin subunit alpha 4; minus strand). Cytogenetic location: 6q21.
Variant type: single nucleotide variant.
Coding change: c.1891G>C on transcript NM_001105206.3 (MANE Select); coding-DNA position 1891, G replaced by C.
Protein change: p.Val631Leu; replaces valine 631 with leucine.
Molecular consequence: missense variant.
Genome position (GRCh38, 1-based): chr6:112,155,633, C>G on the plus strand (G>C on the coding strand, the complement: LAMA4 is on the minus strand). VCF-style: chr6-112155633-C-G. GRCh37 (hg19) VCF-style: chr6-112476835-C-G.
Other names: c.1870G>C, p.Val624Leu (NM_001105207.3, NM_002290.5); short protein forms V624L, V631L.
Identifiers: ClinVar variation 1781688 (VCV001781688.4), dbSNP rs1554336744, ClinGen allele CA365364440.

ClinVar aggregate classification (germline): Uncertain significance. Review status: criteria provided, multiple submitters, no conflicts (2 of 4 stars). 2 submissions from 2 submitters: Uncertain significance (2). Last evaluated 2026-01-15.

Conditions:
Cardiovascular phenotype. Identifiers: MedGen CN230736.
Dilated cardiomyopathy 1JJ (CMD1JJ). Identifiers: Orphanet 154, MedGen C3808935, MONDO:0014095, OMIM 615235.

gnomAD v4.1: 1 of 1,614,060 alleles (0.000062%); highest among the groups gnomAD compares: Non-Finnish European, 0.000085%; no homozygotes.

Submissions (2):

Labcorp Genetics (formerly Invitae), Labcorp
Classification: Uncertain significance for Dilated cardiomyopathy 1JJ. Last evaluated: 2026-01-15. Review status: criteria provided, single submitter. Criteria: Invitae Variant Classification Sherloc (09022015). Collection method: clinical testing. Allele origin: germline.
Comment: This sequence change replaces valine, which is neutral and non-polar, with leucine, which is neutral and non-polar, at codon 624 of the LAMA4 protein (p.Val624Leu). This variant is not present in population databases (gnomAD no frequency). This variant has not been reported in the literature in individuals affected with LAMA4-related conditions. ClinVar contains an entry for this variant (Variation ID: 1781688). An algorithm developed to predict the effect of missense changes on protein structure and function (PolyPhen-2) suggests that this variant is likely to be tolerated. In summary, the available evidence is currently insufficient to determine the role of this variant in disease. Therefore, it has been classified as a Variant of Uncertain Significance.

Ambry Genetics
Classification: Uncertain significance for Cardiovascular phenotype. Last evaluated: 2020-01-16. Review status: criteria provided, single submitter. Criteria: Ambry Variant Classification Scheme 2023. Collection method: clinical testing. Allele origin: germline.
Comment: The p.V624L variant (also known as c.1870G>C), located in coding exon 14 of the LAMA4 gene, results from a G to C substitution at nucleotide position 1870. The valine at codon 624 is replaced by leucine, an amino acid with highly similar properties. This amino acid position is poorly conserved in available vertebrate species. In addition, this alteration is predicted to be tolerated by in silico analysis. Since supporting evidence is limited at this time, the clinical significance of this alteration remains unclear.